The following is an entry in ClinVar:

ClinVar aggregate classification (germline): Uncertain significance (1 of 4 stars; one submission).

Submission:

Labcorp Genetics (formerly Invitae), Labcorp
Classification: Uncertain significance. Last evaluated: 2024-10-05. Review status: criteria provided, single submitter. Criteria: Invitae Variant Classification Sherloc (09022015). Collection method: clinical testing. Allele origin: germline.
Comment: This sequence change replaces glutamic acid, which is acidic and polar, with lysine, which is basic and polar, at codon 344 of the RP1 protein (p.Glu344Lys). This variant is not present in population databases (gnomAD no frequency). This variant has not been reported in the literature in individuals affected with RP1-related conditions. An algorithm developed to predict the effect of missense changes on protein structure and function outputs the following: PolyPhen-2: "Benign". The lysine amino acid residue is found in multiple mammalian species, which suggests that this missense change does not adversely affect protein function. In summary, the available evidence is currently insufficient to determine the role of this variant in disease. Therefore, it has been classified as a Variant of Uncertain Significance.

NM_006269.2(RP1):c.1030G>A (p.Glu344Lys)

Gene: RP1 (RP1 axonemal microtubule associated; plus strand). Cytogenetic location: 8q12.1.
Variant type: single nucleotide variant.
Coding change: c.1030G>A on transcript NM_006269.2 (MANE Select); coding-DNA position 1030, G replaced by A.
Protein change: p.Glu344Lys; replaces glutamic acid 344 with lysine.
Molecular consequence: missense variant. On other transcripts: intron variant (1).
Genome position (GRCh38, 1-based): chr8:54,624,912, G>A. VCF-style: chr8-54624912-G-A. GRCh37 (hg19) VCF-style: chr8-55537472-G-A.
Other names: c.787+2624G>A (NM_001375654.1); short protein forms E344K.
Identifiers: ClinVar variation 3685763 (VCV003685763.2).